The following is an entry in ClinVar:

ClinVar aggregate classification (germline): Pathogenic. Review status: criteria provided, single submitter (1 of 4 stars). 2 submissions from 2 submitters: Pathogenic (1). 1 of the submissions does not count toward it. Last evaluated 2024-01-23.

Conditions:
Thrombocytopenia 5 (THC5). Also called: THROMBOCYTOPENIA 5 WITH INCREASED SUSCEPTIBILITY TO MALIGNANCY; THROMBOCYTOPENIA, AUTOSOMAL DOMINANT, 5. Identifiers: MedGen C4015537, MONDO:0014536, OMIM 616216.
ETV6-related disorder. Also called: ETV6-related condition.

Submissions (2):

St. Jude Molecular Pathology, St. Jude Children's Research Hospital
Classification: Pathogenic for Thrombocytopenia 5. Last evaluated: 2024-01-23. Review status: criteria provided, single submitter. Criteria: St. Jude Assertion Criteria 2020. Collection method: clinical testing. Allele origin: germline. Affected: yes.

PreventionGenetics, part of Exact Sciences
Classification: Likely pathogenic for ETV6-related condition. Last evaluated: 2024-03-27. Review status: no assertion criteria provided. Collection method: clinical testing. Allele origin: germline. Not counted in ClinVar's aggregate classification.
Comment: The ETV6 c.921_922delTC variant is predicted to result in a frameshift and premature protein termination (p.His308Serfs*18). This variant, along with missense variants in CHEK2 and PTPN11, has been reported in the germline of an individual with myelofibrosis (Supp Table 3, Krystel-Whittemore et al. 2024. PubMedID: 38450530). This variant is reported in 0.00088% of alleles in individuals of European (Non-Finnish) descent in gnomAD. Frameshift variants in ETV6 are expected to be pathogenic. This variant is interpreted as likely pathogenic.

NM_001987.5(ETV6):c.921_922del (p.His308fs)

Gene: ETV6 (ETS variant transcription factor 6; plus strand). Cytogenetic location: 12p13.2.
Variant type: Microsatellite.
Coding change: c.921_922del on transcript NM_001987.5 (MANE Select); coding-DNA positions 921 to 922, 2 bases deleted (TC; older notation c.921_922delTC).
Protein change: p.His308fs; shifts the reading frame from histidine 308.
Molecular consequence: frameshift variant.
Genome position (GRCh38, 1-based): chr12:11,869,881-11,869,882, TC deleted; deleting any 2 consecutive bases within chr12:11,869,876-11,869,882 gives the same sequence; the c. name uses the placement nearest the transcript's 3' end. VCF-style (leftmost placement, unchanged base first): chr12-11869875-CCT-C. GRCh37 (hg19) VCF-style: chr12-12022809-CCT-C.
Other names: c.921_922delTC (NM_001987.4); c.918_919del, p.His307fs (NM_001413913.1); c.894_895del, p.His299fs (NM_001413914.1); c.657_658del, p.His220fs (NM_001413915.1); c.921_922del, p.His308fs (NM_001413916.1, NM_001413917.1); c.917_918TC[2], p.His308Serfs (NM_001987.4); short protein forms H220fs, H299fs, H307fs, H308fs.
Identifiers: ClinVar variation 3061446 (VCV003061446.3), dbSNP rs962863191, ClinGen allele CA232608374.